The following is an entry in ClinVar:

NM_022489.4(INF2):c.1202A>G (p.Gln401Arg)

Gene: INF2 (inverted formin 2; plus strand). Cytogenetic location: 14q32.33.
Variant type: single nucleotide variant.
Coding change: c.1202A>G on transcript NM_022489.4 (MANE Select); coding-DNA position 1202, A replaced by G.
Protein change: p.Gln401Arg; replaces glutamine 401 with arginine.
Molecular consequence: missense variant. On other transcripts: non-coding transcript variant (1).
Genome position (GRCh38, 1-based): chr14:104,707,469, A>G. VCF-style: chr14-104707469-A-G. GRCh37 (hg19) VCF-style: chr14-105173806-A-G.
Other names: c.1202A>G, p.Gln401Arg (NM_001031714.4, NM_001426862.1, NM_001426863.1 and 2 more transcripts); short protein forms Q401R.
Identifiers: ClinVar variation 5008368 (VCV005008368.1).
Genomic context (GRCh38, chr14:104,707,469, plus strand): 5'-CCAGCGTGGAGGGCCAGCAGCCAGCAGCAGCTGCTGCCTGCGAGCCCGTGGACCACGCCC[A>G]GAGTGAGAGCATCCTGAAAGTTTCGCAGCCCAGAGCCCTGGAGCAGCAGGCGTCCACCCC-3'
Protein context (NP_071934.3, residues 391-411): AAACEPVDHA[Gln401Arg]SESILKVSQP

ClinVar aggregate classification (germline): Uncertain significance (1 of 4 stars; one submission).

gnomAD v4.1: 11 of 1,553,708 alleles (0.00071%); highest among the groups gnomAD compares: South Asian, 0.0012%; no homozygotes.

Submission:

GeneDx
Classification: Uncertain significance. Last evaluated: 2026-03-04. Review status: criteria provided, single submitter. Criteria: GeneDx Variant Classification Process June 2021. Collection method: clinical testing. Allele origin: germline.
Comment: Not observed at significant frequency in large population cohorts (gnomAD); In silico analysis suggests that this missense variant does not alter protein structure/function; Has not been previously published as pathogenic or benign to our knowledge